The following is an entry in ClinVar:

NM_000089.4(COL1A2):c.1018G>A (p.Gly340Ser)

Gene: COL1A2 (collagen type I alpha 2 chain; plus strand). Cytogenetic location: 7q21.3.
Variant type: single nucleotide variant.
Coding change: c.1018G>A on transcript NM_000089.4 (MANE Select); coding-DNA position 1018, G replaced by A.
Protein change: p.Gly340Ser; replaces glycine 340 with serine.
Molecular consequence: missense variant.
Genome position (GRCh38, 1-based): chr7:94,409,804, G>A. VCF-style: chr7-94409804-G-A. GRCh37 (hg19) VCF-style: chr7-94039116-G-A.
Other names: short protein forms G340S.
Identifiers: ClinVar variation 1683593 (VCV001683593.2), dbSNP rs67180473, ClinGen allele CA162920411.

ClinVar aggregate classification (germline): Likely pathogenic (1 of 4 stars; one submission).

Conditions:
Combined osteogenesis imperfecta and Ehlers-Danlos syndrome 2. Also called: OIEDS SYNDROME 2. Identifiers: MedGen C5436847, MONDO:0030855, OMIM 619120.

Submission:

Laboratorio de Genetica e Diagnostico Molecular, Hospital Israelita Albert Einstein
Classification: Likely pathogenic for Combined osteogenesis imperfecta and Ehlers-Danlos syndrome 2. Last evaluated: 2022-01-24. Review status: criteria provided, single submitter. Criteria: ACMG Guidelines, 2015. Collection method: clinical testing. Allele origin: germline. Affected: yes.
Comment: ACMG classification criteria: PS4 supporting, PM1 moderate, PM2 moderate, PM5, PP3 supporting